The following is an entry in ClinVar:

NM_001365536.1(SCN9A):c.378C>T (p.Ser126=)

Gene: SCN9A (sodium voltage-gated channel alpha subunit 9; minus strand). Cytogenetic location: 2q24.3.
Variant type: single nucleotide variant.
Coding change: c.378C>T on transcript NM_001365536.1 (MANE Select); coding-DNA position 378, C replaced by T.
Protein change: p.Ser126=; no amino-acid change (serine 126 retained).
Molecular consequence: synonymous variant.
Genome position (GRCh38, 1-based): chr2:166,306,599, G>A on the plus strand (C>T on the coding strand, the complement: SCN9A is on the minus strand). VCF-style: chr2-166306599-G-A. GRCh37 (hg19) VCF-style: chr2-167163109-G-A.
Other names: c.378C>T, p.Ser126= (NM_002977.4).
Identifiers: ClinVar variation 945043 (VCV000945043.17), dbSNP rs1392264337, ClinGen allele CA429910192.
Genomic context (GRCh38, chr2:166,306,599, plus strand): 5'-ATTCATGGTCATAAATATGCAGTTTGTCAGAATAGTGCACATGATGAGCATGCTGAATAA[G>A]GTAGCTTAGAATCAAGGAACAAAAGAGACGACAGTGGGAATTTGAAATATTTGAGGATGA-3'
Protein context (NP_001352465.1, residues 116-136): RRISIKILVH[Ser126=]LFSMLIMCTI

ClinVar aggregate classification (germline): Conflicting classifications of pathogenicity. Review status: criteria provided, conflicting classifications (1 of 4 stars). 2 submissions from 2 submitters: Uncertain significance (1); Likely benign (1). Last evaluated 2025-03-01.

Conditions:
Generalized epilepsy with febrile seizures plus, type 7 (GEFSP7). Also called: GEFS+, TYPE 7. Identifiers: Orphanet 36387, MedGen C2751778, MONDO:0013470, OMIM 613863.
Neuropathy, hereditary sensory and autonomic, type 2A (HSAN2A). Also called: WNK1-Related HSAN2 (HSAN2A); HSAN IIA; MORVAN DISEASE; NEUROPATHY, CONGENITAL SENSORY; NEUROPATHY, HEREDITARY SENSORY RADICULAR, AUTOSOMAL RECESSIVE; NEUROPATHY, HEREDITARY SENSORY, TYPE IIA. Identifiers: Orphanet 970, MedGen C2752089, MONDO:0024309, OMIM 201300.

Allele frequency attached by ClinVar (database versions not stated): gnomAD exomes below 0.00001 and 0.00001.
gnomAD v4.1: 4 of 1,563,852 alleles (0.00026%); highest among the groups gnomAD compares: Non-Finnish European, 0.00035%; no homozygotes.

Submissions (2):

CeGaT Center for Human Genetics Tuebingen
Classification: Likely benign. Last evaluated: 2025-03-01. Review status: criteria provided, single submitter. Criteria: CeGaT Center For Human Genetics Tuebingen Variant Classification Criteria Version 2. Collection method: clinical testing. Allele origin: germline. Affected: yes. Observed: 1 variant allele.
Comment: SCN9A: BP4, BP7

Labcorp Genetics (formerly Invitae), Labcorp
Classification: Uncertain significance for Neuropathy, hereditary sensory and autonomic, type 2A; Generalized epilepsy with febrile seizures plus, type 7. Last evaluated: 2024-05-22. Review status: criteria provided, single submitter. Criteria: Invitae Variant Classification Sherloc (09022015). Collection method: clinical testing. Allele origin: germline.
Comment: This sequence change affects codon 126 of the SCN9A mRNA. It is a 'silent' change, meaning that it does not change the encoded amino acid sequence of the SCN9A protein. It affects a nucleotide within the consensus splice site. The frequency data for this variant in the population databases is considered unreliable, as metrics indicate poor data quality at this position in the gnomAD database. This variant has not been reported in the literature in individuals affected with SCN9A-related conditions. ClinVar contains an entry for this variant (Variation ID: 945043). Algorithms developed to predict the effect of sequence changes on RNA splicing suggest that this variant is not likely to affect RNA splicing. In summary, the available evidence is currently insufficient to determine the role of this variant in disease. Therefore, it has been classified as a Variant of Uncertain Significance.